The following is an entry in ClinVar:

NM_000719.7(CACNA1C):c.5619GGA[1] (p.Glu1874del)

Genes: CACNA1C-AS1 (CACNA1C antisense RNA 1; minus strand), CACNA1C (calcium voltage-gated channel subunit alpha1 C; plus strand). Cytogenetic location: 12p13.33.
Variant type: Microsatellite.
Coding change: c.5619GGA[1] on transcript NM_000719.7 (MANE Select); one copy of the 3-base unit GGA starting at c.5619; the reference has two copies in a row; one copy, 3 bases deleted; also written c.5622_5624del.
Protein change: p.Glu1874del; deletes glutamic acid 1874.
Molecular consequence: inframe deletion.
Genome position (GRCh38, 1-based): chr12:2,685,784-2,685,786, GGA deleted; deleting any 3 consecutive bases within chr12:2,685,779-2,685,786 gives the same sequence; the position shown is the placement nearest the transcript's 3' end. VCF-style (leftmost placement, unchanged base first): chr12-2685778-AGAG-A. GRCh37 (hg19) VCF-style: chr12-2794944-AGAG-A.
Other names: c.5763GGA[1], p.Glu1922del (NM_001129827.2); c.5742GGA[1], p.Glu1915del (NM_001129829.2); c.5724GGA[1], p.Glu1909del (NM_001129830.3, NM_001167624.3); c.5703GGA[1], p.Glu1902del (NM_001129831.2); c.5679GGA[1], p.Glu1894del (NM_001129832.2); c.5676GGA[1], p.Glu1893del (NM_001129833.2, NM_001129834.2, NM_001129835.2); c.5670GGA[1], p.Glu1891del (NM_001129836.2); c.5643GGA[1], p.Glu1882del (NM_001129837.2, NM_001129838.2); and 8 more; short protein forms E1874del, E1909del, E1922del, E1863del, E1871del, E1957del, E1915del, E1934del.
Identifiers: ClinVar variation 411730 (VCV000411730.24), dbSNP rs757172314, ClinGen allele CA6389908.

ClinVar aggregate classification (germline): Conflicting classifications of pathogenicity. Review status: criteria provided, conflicting classifications (1 of 4 stars). 7 submissions from 7 submitters: Uncertain significance (6); Likely benign (1). Last evaluated 2026-02-14.

Conditions:
Neurodevelopmental disorder with hypotonia, language delay, and skeletal defects with or without seizures (NEDHLSS). Identifiers: MedGen C5774213, MONDO:0859286, OMIM 620029.
Timothy syndrome (TS). Also called: LONG QT SYNDROME WITH SYNDACTYLY. Identifiers: Orphanet 65283, MedGen C1832916, MeSH C536962, MONDO:0010979, OMIM 601005.
Brugada syndrome 3 (BRGDA3). Identifiers: Orphanet 130, MedGen C2678478, MONDO:0012742, OMIM 611875.
Long QT syndrome 8. Identifiers: MedGen CN260585, MONDO:0032756, OMIM 618447.
Cardiovascular phenotype. Identifiers: MedGen CN230736.
CACNA1C-related disorder. Also called: CACNA1C-related disorders; CACNA1C-related condition. Identifiers: MedGen CN381092, MONDO:0700321.
Long QT syndrome (LQTS). Identifiers: MedGen C0023976, MeSH D008133, MONDO:0002442. Disease mechanism: loss of function. Inheritance: Various modes of inheritance.

Submissions (7):

PreventionGenetics, part of Exact Sciences
Classification: Uncertain significance for CACNA1C-related condition. Last evaluated: 2026-02-14. Review status: criteria provided, single submitter. Criteria: ACMG Guidelines, 2015. Collection method: clinical testing. Allele origin: germline.
Comment: The CACNA1C c.5622_5624delGGA variant is predicted to result in an in-frame deletion (p.Glu1874del). To our knowledge, this variant has not been reported in the literature. This variant is reported in 0.00089% of alleles in individuals of European (Non-Finnish) descent in gnomAD. At this time, the clinical significance of this variant is uncertain due to the absence of conclusive functional and genetic evidence.

Dasa
Classification: Uncertain significance for neurodevelopmental disorder with hypotonia, language delay, and skeletal defects with or without seizures. Last evaluated: 2025-11-01. Review status: criteria provided, single submitter. Criteria: DASA Assertion Criteria. Collection method: clinical testing. Allele origin: germline.
Comment: NM_000719.7(CACNA1C):c.5622_5624del (p.Glu1874del) is an in-frame deletion predicted to remove glutamic acid at protein position 1874 without shifting the reading frame. This variant is rare in population databases. The currently available literature and clinical evidence are not sufficient to establish a definitive association between this variant and the reported condition. Therefore, this variant is classified as a variant of uncertain significance.

Labcorp Genetics (formerly Invitae), Labcorp
Classification: Uncertain significance for Long QT syndrome. Last evaluated: 2025-06-11. Review status: criteria provided, single submitter. Criteria: Invitae Variant Classification Sherloc (09022015). Collection method: clinical testing. Allele origin: germline.
Comment: This variant, c.5622_5624del, results in the deletion of 1 amino acid(s) of the CACNA1C protein (p.Glu1874del), but otherwise preserves the integrity of the reading frame. This variant is present in population databases (rs757172314, gnomAD 0.003%). This variant has not been reported in the literature in individuals affected with CACNA1C-related conditions. ClinVar contains an entry for this variant (Variation ID: 411730). Experimental studies and prediction algorithms are not available or were not evaluated, and the functional significance of this variant is currently unknown. In summary, the available evidence is currently insufficient to determine the role of this variant in disease. Therefore, it has been classified as a Variant of Uncertain Significance.

Ambry Genetics
Classification: Uncertain significance for Cardiovascular phenotype. Last evaluated: 2023-06-15. Review status: criteria provided, single submitter. Criteria: Ambry Variant Classification Scheme 2023. Collection method: clinical testing. Allele origin: germline.
Comment: The c.5622_5624delGGA variant (also known as p.E1874del) is located in coding exon 44 of the CACNA1C gene. This variant results from an in-frame GGA deletion at nucleotide positions 5622 to 5624. This results in the in-frame deletion of a glutamic acid at codon 1874. This amino acid position is well conserved in available vertebrate species. In addition, the in silico prediction for this alteration is inconclusive (Choi Y et al. PLoS ONE. 2012; 7(10):e46688). Since supporting evidence is limited at this time, the clinical significance of this alteration remains unclear.

Blueprint Genetics
Classification: Likely benign. Last evaluated: 2023-01-11. Review status: criteria provided, single submitter. Criteria: ACMG Guidelines, 2015. Collection method: clinical testing. Allele origin: germline.

Fulgent Genetics
Classification: Uncertain significance for Timothy syndrome; Brugada syndrome 3; Long QT syndrome 8. Last evaluated: 2021-09-20. Review status: criteria provided, single submitter. Criteria: ACMG Guidelines, 2015. Collection method: clinical testing. Allele origin: unknown.

GeneDx
Classification: Uncertain significance. Last evaluated: 2021-05-26. Review status: criteria provided, single submitter. Criteria: GeneDx Variant Classification Process June 2021. Collection method: clinical testing. Allele origin: germline. Affected: yes.
Comment: Not observed in large population cohorts (Lek et al., 2016); In-frame deletion of one amino acids in a non-repeat region; In silico analysis supports a deleterious effect on protein structure/function